The following is an entry in ClinVar:

NM_024417.5(FDXR):c.845G>A (p.Arg282Gln)

Gene: FDXR (ferredoxin reductase; minus strand). Cytogenetic location: 17q25.1.
Variant type: single nucleotide variant.
Coding change: c.845G>A on transcript NM_024417.5 (MANE Select); coding-DNA position 845, G replaced by A.
Protein change: p.Arg282Gln; replaces arginine 282 with glutamine.
Molecular consequence: missense variant. On other transcripts: non-coding transcript variant (1).
Genome position (GRCh38, 1-based): chr17:74,864,305, C>T on the plus strand (G>A on the coding strand, the complement: FDXR is on the minus strand). VCF-style: chr17-74864305-C-T. GRCh37 (hg19) VCF-style: chr17-72860427-C-T.
Other names: c.974G>A, p.Arg325Gln (NM_001258012.4); c.938G>A, p.Arg313Gln (NM_001258013.4); c.821G>A, p.Arg274Gln (NM_001258014.4); c.725G>A, p.Arg242Gln (NM_001258015.3); c.689G>A, p.Arg230Gln (NM_001258016.3); c.863G>A, p.Arg288Gln (NM_004110.6); short protein forms R230Q, R242Q, R274Q, R282Q, R288Q, R313Q, R325Q.
Identifiers: ClinVar variation 3039556 (VCV003039556.11), dbSNP rs111830964, ClinGen allele CA8752996.

ClinVar aggregate classification (germline): Likely benign. Review status: criteria provided, multiple submitters, no conflicts (2 of 4 stars). 3 submissions from 3 submitters: Likely benign (2). 1 of the submissions does not count toward it. Last evaluated 2025-07-01.

Conditions:
FDXR-related disorder. Also called: FDXR-related disorders; FDXR-related condition.

Allele frequency attached by ClinVar (database versions not stated): TOPMed 0.00005; gnomAD 0.00023; ExAC 0.00090; 1000 Genomes Project 0.00140; 1000 Genomes Project 30x 0.00156.
gnomAD v4.1: 576 of 1,584,892 alleles (0.036%); highest among the groups gnomAD compares: South Asian, 0.57%; 9 homozygotes.

Submissions (3):

CeGaT Center for Human Genetics Tuebingen
Classification: Likely benign. Last evaluated: 2025-07-01. Review status: criteria provided, single submitter. Criteria: CeGaT Center For Human Genetics Tuebingen Variant Classification Criteria Version 2. Collection method: clinical testing. Allele origin: germline. Affected: yes. Observed: 1 variant allele.
Comment: FDXR: BP4, BS2

Blueprint Genetics
Classification: Likely benign. Last evaluated: 2024-11-18. Review status: criteria provided, single submitter. Criteria: ACMG Guidelines, 2015. Collection method: clinical testing. Allele origin: germline.

PreventionGenetics, part of Exact Sciences
Classification: Likely benign for FDXR-related condition. Last evaluated: 2019-06-26. Review status: no assertion criteria provided. Collection method: clinical testing. Allele origin: germline. Not counted in ClinVar's aggregate classification.
Comment: This variant is classified as likely benign based on ACMG/AMP sequence variant interpretation guidelines (Richards et al. 2015 PMID: 25741868, with internal and published modifications).